The following is an entry in ClinVar:

ClinVar aggregate classification (germline): Uncertain significance. Review status: criteria provided, multiple submitters, no conflicts (2 of 4 stars). 3 submissions from 3 submitters: Uncertain significance (3). Last evaluated 2024-05-17.

Conditions:
Koolen-de Vries syndrome (KDVS). Identifiers: Orphanet 96169, MedGen C1864871, MONDO:0012496, OMIM 610443.

Allele frequency attached by ClinVar (database versions not stated): gnomAD 0.00001; ExAC 0.00002.
gnomAD v4.1: 20 of 1,583,290 alleles (0.0013%); highest among the groups gnomAD compares: Non-Finnish European, 0.0015%; no homozygotes.

Submissions (3):

Fulgent Genetics
Classification: Uncertain significance for Koolen-de Vries syndrome. Last evaluated: 2024-05-17. Review status: criteria provided, single submitter. Criteria: ACMG Guidelines, 2015. Collection method: clinical testing. Allele origin: germline.

ARUP Laboratories, Molecular Genetics and Genomics, ARUP Laboratories
Classification: Uncertain significance for Koolen-de Vries syndrome. Last evaluated: 2023-10-17. Review status: criteria provided, single submitter. Criteria: ARUP Molecular Germline Variant Investigation Process 2024. Collection method: clinical testing. Allele origin: germline.
Comment: Due to limited information, including a lack of clinical and/or functional data and an uninformative population frequency, the clinical significance of this variant is uncertain at this time.

Labcorp Genetics (formerly Invitae), Labcorp
Classification: Uncertain significance for Koolen-de Vries syndrome. Last evaluated: 2021-09-17. Review status: criteria provided, single submitter. Criteria: Invitae Variant Classification Sherloc (09022015). Collection method: clinical testing. Allele origin: germline.
Comment: Due to the possible presence of a polymorphic segmental duplication, the location of the variant could not be unambiguously resolved. Variants with ambiguous mapping are still reported relative to the KANSL1 transcript. This sequence change replaces arginine with glutamine at codon 181 of the KANSL1 protein (p.Arg181Gln). The arginine residue is highly conserved and there is a small physicochemical difference between arginine and glutamine. The frequency data for this variant in the population databases (ExAC) is considered unreliable due to the presence of homologous sequence, such as pseudogenes or paralogs, in the genome. This variant has not been reported in the literature in individuals with KANSL1-related conditions. Algorithms developed to predict the effect of missense changes on protein structure and function output the following: SIFT: "Tolerated"; PolyPhen-2: "Benign"; Align-GVGD: "Class C0". The glutamine amino acid residue is found in multiple mammalian species, which suggests that this missense change does not adversely affect protein function. Until the location of this sequence change can be resolved, the clinical significance of this variant remains uncertain. It has been classified as a Variant of Uncertain Significance.

NM_015443.4(KANSL1):c.542G>A (p.Arg181Gln)

Gene: KANSL1 (KAT8 regulatory NSL complex subunit 1). Cytogenetic location: 17q21.31.
Variant type: single nucleotide variant.
Coding change: c.542G>A on transcript NM_015443.4 (MANE Select); coding-DNA position 542, G replaced by A.
Protein change: p.Arg181Gln; replaces arginine 181 with glutamine.
Molecular consequence: missense variant.
Genome position (GRCh38, 1-based): chr17:46,171,602, C>T on the plus strand (G>A on the coding strand, the complement: KANSL1 is on the minus strand). VCF-style: chr17-46171602-C-T. GRCh37 (hg19) VCF-style: chr17-44248968-C-T.
Other names: c.542G>A, p.Arg181Gln (NM_001193465.2, NM_001193466.2, NM_001379198.1); short protein forms R181Q.
Identifiers: ClinVar variation 536301 (VCV000536301.7), dbSNP rs771481251, ClinGen allele CA8619032.
Genomic context (GRCh38, chr17:46,171,602, plus strand): 5'-AAGTCCCCAGATTCAGATCCTCCCATTTCACCCCCATGAAGAGCAGATGAAGTGAGAGCC[C>T]GTTTTCCCCCATTGAGGGAAGTGGAATTGTCATGATCAGAATGTGTTGAACTTTTAGTCA-3'
Protein context (NP_056258.1, residues 171-191): DNSTSLNGGK[Arg181Gln]ALTSSALHGG